The following is an entry in ClinVar:

ClinVar aggregate classification (germline): Likely pathogenic (1 of 4 stars; one submission).

Conditions:
Autosomal recessive nonsyndromic hearing loss 77. Identifiers: Orphanet 90636, MedGen C2746083, MONDO:0013119, OMIM 613079.

Submission:

Myriad Genetics, Inc.
Classification: Likely pathogenic for Autosomal recessive nonsyndromic hearing loss 77. Last evaluated: 2022-02-25. Review status: criteria provided, single submitter. Criteria: Myriad Women's Health Autosomal Recessive and X-Linked Classification Criteria (2021). Collection method: clinical testing. Allele origin: unknown.
Comment: NM_144612.6(LOXHD1):c.1357A>T(K453*) is expected to be pathogenic in the context of LOXHD1-related DFNB77 hearing loss and deafness. This variant is predicted to lead to an abnormal or absent protein product due to the creation of a premature termination codon in LOXHD1, a gene where loss-of-function variants are known to be pathogenic. Please note: this variant was assessed in the context of healthy population screening.

NM_001384474.1(LOXHD1):c.1357A>T (p.Lys453Ter)

Gene: LOXHD1 (lipoxygenase homology PLAT domains 1; minus strand). Cytogenetic location: 18q21.1.
Variant type: single nucleotide variant.
Coding change: c.1357A>T on transcript NM_001384474.1 (MANE Select); coding-DNA position 1357, A replaced by T.
Protein change: p.Lys453Ter; replaces lysine 453 with a stop codon.
Molecular consequence: nonsense.
Genome position (GRCh38, 1-based): chr18:46,593,674, T>A on the plus strand (A>T on the coding strand, the complement: LOXHD1 is on the minus strand). VCF-style: chr18-46593674-T-A. GRCh37 (hg19) VCF-style: chr18-44173637-T-A.
Other names: c.1357A>T, p.Lys453Ter (NM_144612.7); short protein forms K453*.
Identifiers: ClinVar variation 1724773 (VCV001724773.2), dbSNP rs2511931321, ClinGen allele CA402380717.